The following is an entry in ClinVar:

ClinVar aggregate classification (germline): Uncertain significance. Review status: criteria provided, multiple submitters, no conflicts (2 of 4 stars). 2 submissions from 2 submitters: Uncertain significance (2). Last evaluated 2025-07-04.

Submissions (2):

Ambry Genetics
Classification: Uncertain significance. Last evaluated: 2025-07-04. Review status: criteria provided, single submitter. Criteria: Ambry Variant Classification Scheme 2023. Collection method: clinical testing. Allele origin: germline.
Comment: The p.Q356K variant (also known as c.1066C>A), located in coding exon 9 of the FAM175A gene, results from a C to A substitution at nucleotide position 1066. The glutamine at codon 356 is replaced by lysine, an amino acid with similar properties. This amino acid position is conserved. In addition, this alteration is predicted to be tolerated by in silico analysis. Based on the available evidence, the clinical significance of this variant remains unclear.

Labcorp Genetics (formerly Invitae), Labcorp
Classification: Uncertain significance. Last evaluated: 2017-07-13. Review status: criteria provided, single submitter. Criteria: Invitae Variant Classification Sherloc (09022015). Collection method: clinical testing. Allele origin: germline.
Comment: This variant has not been reported in the literature in individuals with FAM175A-related disease. In summary, the available evidence is currently insufficient to determine the role of this variant in disease. Therefore, it has been classified as a Variant of Uncertain Significance. Algorithms developed to predict the effect of missense changes on protein structure and function output the following: SIFT: "Tolerated"; PolyPhen-2: "Benign"; Align-GVGD: "Class C0". The lysine amino acid residue is found in multiple mammalian species, suggesting that this missense change does not adversely affect protein function. These predictions have not been confirmed by published functional studies and their clinical significance is uncertain. This variant is not present in population databases (ExAC no frequency). This sequence change replaces glutamine with lysine at codon 356 of the FAM175A protein (p.Gln356Lys). The glutamine residue is moderately conserved and there is a small physicochemical difference between glutamine and lysine.

NM_139076.3(ABRAXAS1):c.1066C>A (p.Gln356Lys)

Gene: ABRAXAS1 (abraxas 1, BRCA1 A complex subunit; minus strand). Cytogenetic location: 4q21.23.
Variant type: single nucleotide variant.
Coding change: c.1066C>A on transcript NM_139076.3 (MANE Select); coding-DNA position 1066, C replaced by A.
Protein change: p.Gln356Lys; replaces glutamine 356 with lysine.
Molecular consequence: missense variant.
Genome position (GRCh38, 1-based): chr4:83,462,633, G>T on the plus strand (C>A on the coding strand, the complement: ABRAXAS1 is on the minus strand). VCF-style: chr4-83462633-G-T. GRCh37 (hg19) VCF-style: chr4-84383786-G-T.
Other names: c.739C>A, p.Gln247Lys (NM_001345962.2); c.1066C>A (NM_139076.2); short protein forms Q247K, Q356K.
Identifiers: ClinVar variation 1057098 (VCV001057098.10), dbSNP rs2110032968, ClinGen allele CA357255286.